The following is an entry in ClinVar:

ClinVar aggregate classification (germline): Uncertain significance (1 of 4 stars; one submission).

Conditions:
Tuberous sclerosis 1 (TSC1). Identifiers: Orphanet 805, MedGen C1854465, MONDO:0008612, OMIM 191100.

Submission:

Labcorp Genetics (formerly Invitae), Labcorp
Classification: Uncertain significance for Tuberous sclerosis 1. Last evaluated: 2020-01-29. Review status: criteria provided, single submitter. Criteria: Invitae Variant Classification Sherloc (09022015). Collection method: clinical testing. Allele origin: germline.
Comment: In summary, the available evidence is currently insufficient to determine the role of this variant in disease. Therefore, it has been classified as a Variant of Uncertain Significance. Algorithms developed to predict the effect of sequence changes on RNA splicing suggest that this variant may disrupt the consensus splice site, but this prediction has not been confirmed by published transcriptional studies. Algorithms developed to predict the effect of missense changes on protein structure and function (SIFT, PolyPhen-2, Align-GVGD) all suggest that this variant is likely to be tolerated, but these predictions have not been confirmed by published functional studies and their clinical significance is uncertain. This variant has not been reported in the literature in individuals with TSC1-related conditions. This variant is not present in population databases (ExAC no frequency). This sequence change replaces alanine with serine at codon 344 of the TSC1 protein (p.Ala344Ser). The alanine residue is moderately conserved and there is a moderate physicochemical difference between alanine and serine.

NM_000368.5(TSC1):c.1030G>T (p.Ala344Ser)

Gene: TSC1 (TSC complex subunit 1; minus strand). Cytogenetic location: 9q34.13.
Variant type: single nucleotide variant.
Coding change: c.1030G>T on transcript NM_000368.5 (MANE Select); coding-DNA position 1030, G replaced by T.
Protein change: p.Ala344Ser; replaces alanine 344 with serine.
Molecular consequence: missense variant.
Genome position (GRCh38, 1-based): chr9:132,911,113, C>A on the plus strand (G>T on the coding strand, the complement: TSC1 is on the minus strand). VCF-style: chr9-132911113-C-A. GRCh37 (hg19) VCF-style: chr9-135786500-C-A.
Other names: c.1030G>T, p.Ala344Ser (NM_001162426.2); c.877G>T, p.Ala293Ser (NM_001162427.2); c.667G>T, p.Ala223Ser (NM_001362177.2); short protein forms A223S, A293S, A344S.
Identifiers: ClinVar variation 1025189 (VCV001025189.9), dbSNP rs1845934367, ClinGen allele CA375367926.